The following is an entry in ClinVar:

NM_001848.3(COL6A1):c.1179C>T (p.Asp393=)

Gene: COL6A1 (collagen type VI alpha 1 chain; plus strand). Cytogenetic location: 21q22.3.
Variant type: single nucleotide variant.
Coding change: c.1179C>T on transcript NM_001848.3 (MANE Select); coding-DNA position 1179, C replaced by T.
Protein change: p.Asp393=; no amino-acid change (aspartic acid 393 retained).
Molecular consequence: synonymous variant.
Genome position (GRCh38, 1-based): chr21:45,992,069, C>T. VCF-style: chr21-45992069-C-T. GRCh37 (hg19) VCF-style: chr21-47411983-C-T.
Identifiers: ClinVar variation 340313 (VCV000340313.42), dbSNP rs182068143, ClinGen allele CA10070127.

ClinVar aggregate classification (germline): Benign/Likely benign. Review status: criteria provided, multiple submitters, no conflicts (2 of 4 stars). 3 submissions from 3 submitters: Benign (1); Likely benign (2). Last evaluated 2025-09-24.

Conditions:
Collagen 6-related myopathy. Identifiers: MedGen CN117976, MONDO:0100225.
Bethlem myopathy 1A. Also called: Bethlem myopathy 1; Bethlem Muscular Dystrophy; MYOPATHY, BENIGN CONGENITAL, WITH CONTRACTURES. Identifiers: Orphanet 610, MedGen CN029274, MONDO:0024530, OMIM 158810.

Allele frequency attached by ClinVar (database versions not stated): gnomAD 0.00005 and 0.00009; TOPMed 0.00006; gnomAD exomes 0.00008 and 0.00026; ExAC 0.00024; 1000 Genomes Project 30x 0.00047; 1000 Genomes Project 0.00060.
gnomAD v4.1: 153 of 1,612,382 alleles (0.0095%); highest among the groups gnomAD compares: South Asian, 0.091%; no homozygotes.

Submissions (3):

Labcorp Genetics (formerly Invitae), Labcorp
Classification: Likely benign for Bethlem myopathy 1A. Last evaluated: 2025-09-24. Review status: criteria provided, single submitter. Criteria: Invitae Variant Classification Sherloc (09022015). Collection method: clinical testing. Allele origin: germline.

CeGaT Center for Human Genetics Tuebingen
Classification: Likely benign. Last evaluated: 2022-03-01. Review status: criteria provided, single submitter. Criteria: CeGaT Center For Human Genetics Tuebingen Variant Classification Criteria Version 2. Collection method: clinical testing. Allele origin: germline. Affected: yes. Observed: 1 variant allele.
Comment: COL6A1: BP4, BP7

Illumina Laboratory Services, Illumina
Classification: Benign for Collagen VI-related myopathy. Last evaluated: 2018-01-13. Review status: criteria provided, single submitter. Criteria: ICSL Variant Classification Criteria 13 December 2019. Collection method: clinical testing. Allele origin: germline.
Comment: This variant was observed in the ICSL laboratory as part of a predisposition screen in an ostensibly healthy population. It had not been previously curated by ICSL or reported in the Human Gene Mutation Database (HGMD: prior to June 1st, 2018), and was therefore a candidate for classification through an automated scoring system. Utilizing variant allele frequency, disease prevalence and penetrance estimates, and inheritance mode, an automated score was calculated to assess if this variant is too frequent to cause the disease. Based on the score and internal cut-off values, a variant classified as benign is not then subjected to further curation. The score for this variant resulted in a classification of benign for this disease.